The following is an entry in ClinVar:

ClinVar aggregate classification (germline): Benign. Review status: criteria provided, multiple submitters, no conflicts (2 of 4 stars). 2 submissions from 2 submitters: Benign (2). Last evaluated 2026-01-09.

Conditions:
Intellectual developmental disorder, autosomal dominant 6, with or without seizures. Also called: Intellectual disability, autosomal dominant 6; GRIN2B-related developmental delay, intellectual disability and autism spectrum disorder. Identifiers: Orphanet 589547, MedGen C3151411, MONDO:0013509, OMIM 613970.
Developmental and epileptic encephalopathy, 27 (DEE27). Also called: Epileptic encephalopathy, early infantile, 27; GRIN2B-Related Neurodevelopmental Disorder. Identifiers: Orphanet 3451, MedGen C4015316, MONDO:0014505, OMIM 616139.

Allele frequency attached by ClinVar (database versions not stated): gnomAD 0.00011 and 0.00019; gnomAD exomes 0.00015 and 0.00034; TOPMed 0.00020; ExAC 0.00026; 1000 Genomes Project 0.00120; 1000 Genomes Project 30x 0.00125.
gnomAD v4.1: 260 of 1,596,352 alleles (0.016%); highest among the groups gnomAD compares: East Asian, 0.52%; 1 homozygote.

Submissions (2):

Labcorp Genetics (formerly Invitae), Labcorp
Classification: Benign for Developmental and epileptic encephalopathy, 27; Intellectual developmental disorder, autosomal dominant 6, with or without seizures. Last evaluated: 2026-01-09. Review status: criteria provided, single submitter. Criteria: Invitae Variant Classification Sherloc (09022015). Collection method: clinical testing. Allele origin: germline.

GeneDx
Classification: Benign. Last evaluated: 2015-04-28. Review status: criteria provided, single submitter. Criteria: GeneDx Variant Classification (06012015). Collection method: clinical testing. Allele origin: germline. Affected: yes.
Comment: This variant is considered likely benign or benign based on one or more of the following criteria: it is a conservative change, it occurs at a poorly conserved position in the protein, it is predicted to be benign by multiple in silico algorithms, and/or has population frequency not consistent with disease.

NM_000834.5(GRIN2B):c.1328+17A>G

Gene: GRIN2B (glutamate ionotropic receptor NMDA type subunit 2B; minus strand). Cytogenetic location: 12p13.1.
Variant type: single nucleotide variant.
Coding change: c.1328+17A>G on transcript NM_000834.5 (MANE Select); 17 bases into the intron after coding-DNA position 1328, A replaced by G.
Molecular consequence: intron variant.
Genome position (GRCh38, 1-based): chr12:13,616,438, T>C on the plus strand (A>G on the coding strand, the complement: GRIN2B is on the minus strand). VCF-style: chr12-13616438-T-C. GRCh37 (hg19) VCF-style: chr12-13769372-T-C.
Identifiers: ClinVar variation 245616 (VCV000245616.9), dbSNP rs201560542, ClinGen allele CA6461268.